The following is an entry in ClinVar:

ClinVar aggregate classification (germline): Conflicting classifications of pathogenicity. Review status: criteria provided, conflicting classifications (1 of 4 stars). 3 submissions from 3 submitters: Likely pathogenic (2); Uncertain significance (1). Last evaluated 2024-04-03.

Conditions:
Pendred syndrome (PDS). Also called: THYROID DYSHORMONOGENESIS 2B; THYROID HORMONOGENESIS, GENETIC DEFECT IN, 2B; Pendred Syndrome (PDS); DEAFNESS WITH GOITER; GOITER-DEAFNESS SYNDROME; HYPOTHYROIDISM, CONGENITAL, DUE TO DYSHORMONOGENESIS, 2B. Identifiers: Orphanet 705, MedGen C0271829, MONDO:0010134, OMIM 274600.
Autosomal recessive nonsyndromic hearing loss 4 (DFNB4). Also called: FOXI1-Related Pendred Syndrome; KCNJ10-Related Pendred Syndrome; Nonsyndromic enlarged vestibular aqueduct (NSEVA); Deafness, autosomal recessive 4; Enlarged vestibular aqueduct, digenic; NEUROSENSORY NONSYNDROMIC RECESSIVE DEAFNESS 4. Identifiers: Orphanet 90636, MedGen C3538946, MONDO:0010933, OMIM 600791.

Allele frequency attached by ClinVar (database versions not stated): gnomAD 0.00001; TOPMed 0.00001; ExAC 0.00002.

Submissions (3):

Natera, Inc.
Classification: Likely pathogenic for Pendred syndrome. Last evaluated: 2024-04-03. Review status: criteria provided, single submitter. Criteria: Natera Variant Classification Schema (03/2026). Collection method: clinical testing. Allele origin: germline.
Comment: The c.1803G>A variant in SLC26A4 is a synonymous variant that does not alter the encoded amino acid at position 601 (p.K601=). This variant is rare in the general population with a frequency below the threshold expected for the associated phenotype(s). This variant has been observed in one or more individuals affected with the associated recessive disease, as either homozygous or compound heterozygous with a second variant (PMID: 23246836). Additionally, this variant has been observed to segregate in affected family members (PMID: 23246836). Functional studies show that this variant may disrupt protein function (PMID: 23246836, 31033086). Computational prediction algorithms indicate this variant is likely to affect gene or protein function. Given the available evidence, this variant is classified as Likely Pathogenic.

Baylor Genetics
Classification: Likely pathogenic for Autosomal recessive nonsyndromic hearing loss 4. Last evaluated: 2023-09-13. Review status: criteria provided, single submitter. Criteria: ACMG Guidelines, 2015. Collection method: clinical testing. Allele origin: unknown.

3billion
Classification: Uncertain significance for Autosomal recessive nonsyndromic hearing loss 4. Last evaluated: 2022-09-01. Review status: criteria provided, single submitter. Criteria: ACMG Guidelines, 2015. Collection method: clinical testing. Allele origin: germline. Affected: yes. Observed: 1 heterozygote.
Comment: The variant is observed at an extremely low frequency in the gnomAD v2.1.1 dataset (total allele frequency: <0.001%). Synonymous variant that is predicted to alter the splicing. See below. In silico tools predict the variant to alter splicing and produce an abnormal transcript (SpliceAI: 0.70). Therefore, this variant is classified as uncertain significance according to the recommendation of ACMG/AMP guideline.

Literature cited by the submitters: PubMed 23246836 (cited by Natera, Inc.); PubMed 31033086 (cited by Natera, Inc.).

NM_000441.2(SLC26A4):c.1803G>A (p.Lys601=)

Gene: SLC26A4 (solute carrier family 26 member 4; plus strand). Cytogenetic location: 7q22.3.
Variant type: single nucleotide variant.
Coding change: c.1803G>A on transcript NM_000441.2 (MANE Select); coding-DNA position 1803, G replaced by A.
Protein change: p.Lys601=; no amino-acid change (lysine 601 retained).
Molecular consequence: synonymous variant.
Genome position (GRCh38, 1-based): chr7:107,701,196, G>A. VCF-style: chr7-107701196-G-A. GRCh37 (hg19) VCF-style: chr7-107341641-G-A.
Other names: c.1803G>A (NM_000441.1).
Identifiers: ClinVar variation 1705336 (VCV001705336.3), dbSNP rs760352870, ClinGen allele CA4432945.